The following is an entry in ClinVar:

NM_001042492.3(NF1):c.3975-7T>C

Gene: NF1 (neurofibromin 1; plus strand). Cytogenetic location: 17q11.2.
Variant type: single nucleotide variant.
Coding change: c.3975-7T>C on transcript NM_001042492.3 (MANE Select); 7 bases into the intron before coding-DNA position 3975, T replaced by C.
Molecular consequence: intron variant.
Genome position (GRCh38, 1-based): chr17:31,248,977, T>C. VCF-style: chr17-31248977-T-C. GRCh37 (hg19) VCF-style: chr17-29575995-T-C.
Other names: c.3975-7T>C (NM_000267.4).
Identifiers: ClinVar variation 1338074 (VCV001338074.5), dbSNP rs2151451258, ClinGen allele CA2573054384.

ClinVar aggregate classification (germline): Conflicting classifications of pathogenicity. Review status: criteria provided, conflicting classifications (1 of 4 stars). 2 submissions from 2 submitters: Uncertain significance (1); Likely benign (1). Last evaluated 2023-05-08.

Submissions (2):

Blueprint Genetics
Classification: Likely benign. Last evaluated: 2023-05-08. Review status: criteria provided, single submitter. Criteria: ACMG Guidelines, 2015. Collection method: clinical testing. Allele origin: germline.

Genetic Services Laboratory, University of Chicago
Classification: Uncertain significance. Last evaluated: 2021-09-17. Review status: criteria provided, single submitter. Criteria: ACMG Guidelines, 2015. Collection method: clinical testing. Allele origin: germline. Affected: no.
Comment: DNA sequence analysis of the NF1 gene demonstrated a sequence change in intron 29, c.3975-7T>C. This change does not appear to have been previously described in individuals with NF1-related disorders and it has not been described in population databases including ExAC and gnomAD. This sequence change is not clearly predicted to have a deleterious effect on splicing based on in silico splice prediction programs. It is possible that this sequence change represents a benign sequence change in the NF1 gene that has not been identified to date. The functional significance of this sequence change is not known at present and its contribution to this individual's disease phenotype cannot definitively be determined.